The following is an entry in ClinVar:

NM_000286.3(PEX12):c.1044ACA[1] (p.Gln349del)

Gene: PEX12 (peroxisomal biogenesis factor 12; minus strand). Cytogenetic location: 17q12.
Variant type: Microsatellite.
Coding change: c.1044ACA[1] on transcript NM_000286.3 (MANE Select); one copy of the 3-base unit ACA starting at c.1044; the reference has two copies in a row; one copy, 3 bases deleted; also written c.1047_1049del.
Protein change: p.Gln349del; deletes glutamine 349.
Molecular consequence: inframe deletion.
Genome position (GRCh38, 1-based): chr17:35,575,813-35,575,815, TGT deleted on the plus strand (ACA on the coding strand, the reverse complement: PEX12 is on the minus strand); deleting any 3 consecutive bases within chr17:35,575,813-35,575,818 gives the same sequence; the position shown is the placement nearest the transcript's 3' end. VCF-style (leftmost placement, unchanged base first): chr17-35575812-ATGT-A. GRCh37 (hg19) VCF-style: chr17-33902831-ATGT-A.
Other names: c.1047_1049del (NM_000286.2, NM_000286.3); c.1047_1049delACA (NM_000286.2); short protein forms Q349del.
Identifiers: ClinVar variation 556045 (VCV000556045.18), dbSNP rs267608184, ClinGen allele CA290068069.

ClinVar aggregate classification (germline): Pathogenic/Likely pathogenic. Review status: criteria provided, multiple submitters, no conflicts (2 of 4 stars). 7 submissions from 7 submitters: Pathogenic (5); Likely pathogenic (1). 1 of the submissions does not count toward it. Last evaluated 2026-04-16.

Conditions:
Peroxisome biogenesis disorder 3A (Zellweger). Also called: PEROXISOMAL BIOGENESIS DISORDER 3A (ZELLWEGER); Peroxisome biogenesis disorder 3A. Identifiers: Orphanet 912, MedGen C3553929, MONDO:0013927, OMIM 614859.
PEX12-related disorder. Also called: PEX12-related condition; PEX12-related disorders.
Peroxisome biogenesis disorder type 3B. Identifiers: Orphanet 44, Orphanet 772, MedGen C3550693, MONDO:0009959, OMIM 266510.

Submissions (7):

Department of Pediatrics, Sohag University Faculty of Medicine
Classification: Likely pathogenic for Peroxisome biogenesis disorder type 3B. Last evaluated: 2026-04-16. Review status: criteria provided, single submitter. Criteria: ACMG Guidelines, 2015. Collection method: clinical testing. Allele origin: germline. Affected: yes. Observed: 1 variant allele.
Comment: According to the American College of Medical Genetics and Genomics (ACMG) variant interpretation guidelines, this variant satisfies the criteria PM2 (absence or extremely low frequency in population databases), PM3 (detected in trans with a pathogenic variant in recessive disorders), PM4 (protein length change due to in-frame deletion), and PP5 (reputable source reports variant as pathogenic), supporting classification as a likely pathogenic variant.

3billion
Classification: Pathogenic for PEX12-related disorder. Last evaluated: 2025-12-30. Review status: criteria provided, single submitter. Criteria: ACMG Guidelines, 2015. Collection method: clinical testing. Allele origin: germline. Affected: yes.
Comment: The variant is observed at an extremely low frequency in the gnomAD v4.1.0 dataset (total allele frequency: <0.001%). Predicted Consequence/Location: Inframe deletion located in a nonrepeat region: predicted to change the length of the protein and disrupt normal protein function. The variant has been reported to co-segregate with the disease in at least 5 similarly affected relatives/individuals in the same family or similarly affected unrelated families (PMID: 33123925). The variant has been reported at least twice as pathogenic with clinical assertions and evidence for the classification (ClinVar ID: VCV000556045 /PMID: 15542397 /3billion dataset). Therefore, this variant is classified as Pathogenic according to the recommendation of ACMG/AMP guideline.

GeneDx
Classification: Pathogenic. Last evaluated: 2025-06-02. Review status: criteria provided, single submitter. Criteria: GeneDx Variant Classification Process June 2021. Collection method: clinical testing. Allele origin: germline. Affected: yes.
Comment: Not observed at significant frequency in large population cohorts (gnomAD); In-frame deletion of 1 amino acid in a non-repeat region; In silico analysis supports a deleterious effect on protein structure/function; This variant is associated with the following publications: (PMID: 19105186, 21031596, 15542397, 33123925)

Labcorp Genetics (formerly Invitae), Labcorp
Classification: Pathogenic for Peroxisome biogenesis disorder 3A (Zellweger). Last evaluated: 2025-05-05. Review status: criteria provided, single submitter. Criteria: Invitae Variant Classification Sherloc (09022015). Collection method: clinical testing. Allele origin: germline.
Comment: This variant, c.1047_1049del, results in the deletion of 1 amino acid(s) of the PEX12 protein (p.Gln349del), but otherwise preserves the integrity of the reading frame. This variant is present in population databases (rs267608184, gnomAD 0.01%). This variant has been observed in individuals with PEX12-related conditions (PMID: 15542397, 21031596, 33123925; internal data). It has also been observed to segregate with disease in related individuals. For these reasons, this variant has been classified as Pathogenic.

PreventionGenetics, part of Exact Sciences
Classification: Pathogenic for PEX12-related condition. Last evaluated: 2025-02-05. Review status: criteria provided, single submitter. Criteria: ACMG Guidelines, 2015. Collection method: clinical testing. Allele origin: germline.
Comment: The PEX12 c.1047_1049delACA variant is predicted to result in an in-frame deletion (p.Gln349del). This variant has been reported in the homozygous or compound heterozygous states in individuals with peroxisome biogenesis disorder and is a proposed founder mutation in Egypt (Steinberg et al. 2004. PubMed ID: 15542397; Zaki et al. 2020. PubMed ID: 33123925; Ebberink et al. 2011. PubMed ID: 21031596). This variant is reported in 0.0040% of alleles in individuals of African descent in gnomAD. This variant is interpreted as pathogenic.

Baylor Genetics
Classification: Pathogenic for Peroxisome biogenesis disorder 3A (Zellweger). Last evaluated: 2024-03-20. Review status: criteria provided, single submitter. Criteria: ACMG Guidelines, 2015. Collection method: clinical testing. Allele origin: unknown.

Counsyl
Classification: Likely pathogenic for Peroxisome biogenesis disorder type 3B; Peroxisome biogenesis disorder 3A (Zellweger). Last evaluated: 2018-01-09. Review status: no assertion criteria provided. Collection method: clinical testing. Allele origin: unknown. Not counted in ClinVar's aggregate classification.

Literature cited by the submitters: PubMed 33123925 (cited by 3billion and Labcorp Genetics (formerly Invitae), Labcorp); PubMed 15542397 (cited by 3 submitters); PubMed 21031596 (cited by Labcorp Genetics (formerly Invitae), Labcorp and Counsyl).